The following is an entry in ClinVar:

ClinVar aggregate classification (germline): Uncertain significance (1 of 4 stars; one submission).

Submission:

GeneDx
Classification: Uncertain significance. Last evaluated: 2024-06-24. Review status: criteria provided, single submitter. Criteria: GeneDx Variant Classification Process June 2021. Collection method: clinical testing. Allele origin: germline. Affected: yes.
Comment: Not observed at significant frequency in large population cohorts (gnomAD); Has not been previously published as pathogenic or benign to our knowledge; In silico analysis is inconclusive as to whether the variant alters gene splicing. In the absence of RNA/functional studies, the actual effect of this sequence change is unknown.

NM_001142864.4(PIEZO1):c.4163-44_4163-5del

Gene: PIEZO1 (piezo type mechanosensitive ion channel component 1 (Er blood group); minus strand). Cytogenetic location: 16q24.3.
Variant type: Deletion.
Coding change: c.4163-44_4163-5del on transcript NM_001142864.4 (MANE Select); 44 bases into the intron before coding-DNA position 4163 through 5 bases into the intron before coding-DNA position 4163, 40 bases deleted.
Molecular consequence: intron variant.
Genome position (GRCh38, 1-based): chr16:88,725,085-88,725,124, 40 bases deleted; deleting any 40 consecutive bases within chr16:88,725,085-88,725,131 gives the same sequence; the c. name uses the placement nearest the transcript's 3' end. GRCh37 (hg19): chr16:88,791,500-88,791,539.
Identifiers: ClinVar variation 3392661 (VCV003392661.1).
Genomic context (GRCh38, chr16:88,725,084, plus strand): 5'-GCCAGGGCCGCCACCACTGCCTCCGTGGCGGGGAGGAGCCCCCTGGACTGTCGGGCCCTG[TGGAGGGGCAGGGTGAGCATGAGGCAGCAGTCAAGCCACCA>T]GGAGGGGTCGGGGCTGTGAGTGCTCCCGTCTTGGAGACAGGATAGGTGGAGACAGACACG-3'